The following is an entry in ClinVar:

NM_001379200.1(TBX1):c.203G>A (p.Gly68Asp)

Gene: TBX1 (T-box transcription factor 1; plus strand). Cytogenetic location: 22q11.21.
Variant type: single nucleotide variant.
Coding change: c.203G>A on transcript NM_001379200.1 (MANE Select); coding-DNA position 203, G replaced by A.
Protein change: p.Gly68Asp; replaces glycine 68 with aspartic acid.
Molecular consequence: missense variant.
Genome position (GRCh38, 1-based): chr22:19,761,046, G>A. VCF-style: chr22-19761046-G-A. GRCh37 (hg19) VCF-style: chr22-19748569-G-A.
Other names: c.176G>A, p.Gly59Asp (NM_005992.1, NM_080646.2, NM_080647.1); short protein forms G59D, G68D.
Identifiers: ClinVar variation 2158289 (VCV002158289.5), dbSNP rs2517842062, ClinGen allele CA410681366.
Genomic context (GRCh38, chr22:19,761,046, plus strand): 5'-GCCCGCGCGAGCCCCCGCCGCCGCCGCCGCGCTACGACCCGTGCGCCGCCGCCGCCCCCG[G>A]CGCCCCGGGCCCGCCGCCGCCGCCGCACGCCTACCCGTTTGCGCCGGCCGCCGGGGCCGC-3'
Protein context (NP_001366129.1, residues 58-78): RYDPCAAAAP[Gly68Asp]APGPPPPPHA

ClinVar aggregate classification (germline): Uncertain significance. Review status: criteria provided, multiple submitters, no conflicts (2 of 4 stars). 2 submissions from 2 submitters: Uncertain significance (2). Last evaluated 2025-03-23.

Conditions:
Cardiovascular phenotype. Identifiers: MedGen CN230736.
DiGeorge syndrome. Also called: THIRD AND FOURTH PHARYNGEAL POUCH SYNDROME; Catch22. Identifiers: Orphanet 567, MedGen C0012236, MONDO:0008564, OMIM 188400.

Allele frequency attached by ClinVar (database versions not stated): gnomAD exomes below 0.00001.
gnomAD v4.1: 2 of 893,136 alleles (0.00022%); highest among the groups gnomAD compares: Non-Finnish European, 0.00027%; no homozygotes.

Submissions (2):

Ambry Genetics
Classification: Uncertain significance for Cardiovascular phenotype. Last evaluated: 2025-03-23. Review status: criteria provided, single submitter. Criteria: Ambry Variant Classification Scheme 2023. Collection method: clinical testing. Allele origin: germline.
Comment: The p.G59D variant (also known as c.176G>A), located in coding exon 2 of the TBX1 gene, results from a G to A substitution at nucleotide position 176. The glycine at codon 59 is replaced by aspartic acid, an amino acid with similar properties. This amino acid position is conserved. In addition, this alteration is predicted to be tolerated by in silico analysis. Based on the available evidence, the clinical significance of this variant remains unclear.

Labcorp Genetics (formerly Invitae), Labcorp
Classification: Uncertain significance for DiGeorge syndrome. Last evaluated: 2022-04-17. Review status: criteria provided, single submitter. Criteria: Invitae Variant Classification Sherloc (09022015). Collection method: clinical testing. Allele origin: germline.
Comment: In summary, the available evidence is currently insufficient to determine the role of this variant in disease. Therefore, it has been classified as a Variant of Uncertain Significance. Algorithms developed to predict the effect of missense changes on protein structure and function are either unavailable or do not agree on the potential impact of this missense change (SIFT: "Tolerated"; PolyPhen-2: "Not Available"; Align-GVGD: "Class C0"). This variant has not been reported in the literature in individuals affected with TBX1-related conditions. The frequency data for this variant in the population databases is considered unreliable, as metrics indicate insufficient coverage at this position in the gnomAD database. This sequence change replaces glycine, which is neutral and non-polar, with aspartic acid, which is acidic and polar, at codon 59 of the TBX1 protein (p.Gly59Asp).